The following is an entry in ClinVar:

ClinVar aggregate classification (germline): Uncertain significance (1 of 4 stars; one submission).

Allele frequency attached by ClinVar (database versions not stated): TOPMed below 0.00001; gnomAD 0.00001.

Submission:

Ambry Genetics
Classification: Uncertain significance. Last evaluated: 2022-12-05. Review status: criteria provided, single submitter. Criteria: Ambry Variant Classification Scheme 2023. Collection method: clinical testing. Allele origin: germline.
Comment: The p.Q568P variant (also known as c.1703A>C), located in coding exon 11 of the POLQ gene, results from an A to C substitution at nucleotide position 1703. The glutamine at codon 568 is replaced by proline, an amino acid with similar properties. This amino acid position is conserved. In addition, this alteration is predicted to be tolerated by in silico analysis. Since supporting evidence is limited at this time, the clinical significance of this alteration remains unclear.

NM_199420.4(POLQ):c.1703A>C (p.Gln568Pro)

Gene: POLQ (DNA polymerase theta; minus strand). Cytogenetic location: 3q13.33.
Variant type: single nucleotide variant.
Coding change: c.1703A>C on transcript NM_199420.4 (MANE Select); coding-DNA position 1703, A replaced by C.
Protein change: p.Gln568Pro; replaces glutamine 568 with proline.
Molecular consequence: missense variant.
Genome position (GRCh38, 1-based): chr3:121,510,152, T>G on the plus strand (A>C on the coding strand, the complement: POLQ is on the minus strand). VCF-style: chr3-121510152-T-G. GRCh37 (hg19) VCF-style: chr3-121228999-T-G.
Other names: short protein forms Q568P.
Identifiers: ClinVar variation 2448867 (VCV002448867.2), dbSNP rs766186366, ClinGen allele CA81851512.
Genomic context (GRCh38, chr3:121,510,152, plus strand): 5'-CACATCACACAGGCCTCAATCGCTCCAAGCTGAACAGACTCTTGATTTCTCTGAATTCCT[T>G]GCTTCCCTTCTTTCATACTTGCAGCCAAAAATGTGCAGGCAGCATAAGTATGCATATCTT-3'
Protein context (NP_955452.3, residues 558-578): FLAASMKEGK[Gln568Pro]GIQRNQESVQ